The following is an entry in ClinVar:

NM_001128840.3(CACNA1D):c.2626C>T (p.Arg876Cys)

Gene: CACNA1D (calcium voltage-gated channel subunit alpha1 D; plus strand). Cytogenetic location: 3p21.1.
Variant type: single nucleotide variant.
Coding change: c.2626C>T on transcript NM_001128840.3 (MANE Select); coding-DNA position 2626, C replaced by T.
Protein change: p.Arg876Cys; replaces arginine 876 with cysteine.
Molecular consequence: missense variant.
Genome position (GRCh38, 1-based): chr3:53,735,378, C>T. VCF-style: chr3-53735378-C-T. GRCh37 (hg19) VCF-style: chr3-53769405-C-T.
Other names: c.2686C>T (NM_000720.3); c.2686C>T, p.Arg896Cys (NM_000720.4); c.2626C>T, p.Arg876Cys (NM_001128839.3); short protein forms R896C, R876C.
Identifiers: ClinVar variation 2810655 (VCV002810655.5), dbSNP rs2095047454, ClinGen allele CA353242251.
Genomic context (GRCh38, chr3:53,735,378, plus strand): 5'-CCCAGTGTGTTCCACCCTATCTGGGACTGTTTCCAAGCAGCGGCTTTTCCCTGCAGGATC[C>T]GCGTAGGCTGCCACAAGCTCATCAACCACCACATCTTCACCAACCTCATCCTTGTCTTCA-3'
Protein context (NP_001122312.1, residues 866-886): FFILSKTNPI[Arg876Cys]VGCHKLINHH

ClinVar aggregate classification (germline): Uncertain significance. Review status: criteria provided, multiple submitters, no conflicts (2 of 4 stars). 2 submissions from 2 submitters: Uncertain significance (2). Last evaluated 2025-01-17.

Conditions:
CACNA1D-related disorder.

Allele frequency attached by ClinVar (database versions not stated): gnomAD exomes below 0.00001; TOPMed below 0.00001.
gnomAD v4.1: 1 of 1,613,986 alleles (0.000062%); highest among the groups gnomAD compares: Non-Finnish European, 0.000085%; no homozygotes.

Submissions (2):

PreventionGenetics, part of Exact Sciences
Classification: Uncertain significance for CACNA1D-related condition. Last evaluated: 2025-01-17. Review status: criteria provided, single submitter. Criteria: ACMG Guidelines, 2015. Collection method: clinical testing. Allele origin: germline.
Comment: The CACNA1D c.2686C>T variant is predicted to result in the amino acid substitution p.Arg896Cys. This variant was described in a patient with developmental delay, dystonia, tremors, delayed teeth eruption, and premature pubic hair as part of the Vanderbilt biorepository (bioVU, described in Ezell et al. PubMed ID: 38511854). This variant has not been reported in the literature or in a large population database (gnomAD), indicating this variant is rare. Although we suspect that this variant may be pathogenic, at this time, the clinical significance of this variant is uncertain due to the absence of conclusive functional and genetic evidence.

Labcorp Genetics (formerly Invitae), Labcorp
Classification: Uncertain significance. Last evaluated: 2025-01-07. Review status: criteria provided, single submitter. Criteria: Invitae Variant Classification Sherloc (09022015). Collection method: clinical testing. Allele origin: germline.
Comment: This sequence change replaces arginine, which is basic and polar, with cysteine, which is neutral and slightly polar, at codon 896 of the CACNA1D protein (p.Arg896Cys). This variant is not present in population databases (gnomAD no frequency). This variant has not been reported in the literature in individuals affected with CACNA1D-related conditions. ClinVar contains an entry for this variant (Variation ID: 2810655). Invitae Evidence Modeling of protein sequence and biophysical properties (such as structural, functional, and spatial information, amino acid conservation, physicochemical variation, residue mobility, and thermodynamic stability) indicates that this missense variant is expected to disrupt CACNA1D protein function with a positive predictive value of 80%. In summary, the available evidence is currently insufficient to determine the role of this variant in disease. Therefore, it has been classified as a Variant of Uncertain Significance.